The following is an entry in ClinVar:

NM_002495.4(NDUFS4):c.160A>G (p.Thr54Ala)

Gene: NDUFS4 (NADH:ubiquinone oxidoreductase subunit S4; plus strand). Cytogenetic location: 5q11.2.
Variant type: single nucleotide variant.
Coding change: c.160A>G on transcript NM_002495.4 (MANE Select); coding-DNA position 160, A replaced by G.
Protein change: p.Thr54Ala; replaces threonine 54 with alanine.
Molecular consequence: missense variant. On other transcripts: non-coding transcript variant (3).
Genome position (GRCh38, 1-based): chr5:53,603,513, A>G. VCF-style: chr5-53603513-A-G. GRCh37 (hg19) VCF-style: chr5-52899343-A-G.
Other names: c.160A>G, p.Thr54Ala (NM_001318051.2); c.160A>G (NM_002495.2); short protein forms T54A.
Identifiers: ClinVar variation 1463356 (VCV001463356.4), dbSNP rs756821245, ClinGen allele CA3264195.
Genomic context (GRCh38, chr5:53,603,513, plus strand): 5'-TCGTTGAGGACTTCCACATGGAGATTGGCACAGGACCAGACTCAAGACACACAACTCATA[A>G]CAGTTGATGAAAAATTGGTAAGGATTTTCTACTACACACTGCTATGGTTCTGCCTTCAGG-3'
Protein context (NP_002486.1, residues 44-64): QDQTQDTQLI[Thr54Ala]VDEKLDITTL

ClinVar aggregate classification (germline): Uncertain significance. Review status: criteria provided, multiple submitters, no conflicts (2 of 4 stars). 2 submissions from 2 submitters: Uncertain significance (2). Last evaluated 2024-12-24.

Conditions:
Inborn genetic diseases. Identifiers: MedGen C0950123, MeSH D030342.

Allele frequency attached by ClinVar (database versions not stated): gnomAD exomes below 0.00001 and 0.00001; ExAC 0.00001; gnomAD 0.00005 and 0.00006; TOPMed 0.00006.
gnomAD v4.1: 12 of 1,613,634 alleles (0.00074%); highest among the groups gnomAD compares: African/African-American, 0.015%; no homozygotes.

Submissions (2):

Ambry Genetics
Classification: Uncertain significance for Inborn genetic diseases. Last evaluated: 2024-12-24. Review status: criteria provided, single submitter. Criteria: Ambry Variant Classification Scheme 2023. Collection method: clinical testing. Allele origin: germline.

Labcorp Genetics (formerly Invitae), Labcorp
Classification: Uncertain significance. Last evaluated: 2021-12-02. Review status: criteria provided, single submitter. Criteria: Invitae Variant Classification Sherloc (09022015). Collection method: clinical testing. Allele origin: germline.
Comment: This sequence change replaces threonine, which is neutral and polar, with alanine, which is neutral and non-polar, at codon 54 of the NDUFS4 protein (p.Thr54Ala). This variant is present in population databases (rs756821245, gnomAD 0.01%). This variant has not been reported in the literature in individuals affected with NDUFS4-related conditions. Algorithms developed to predict the effect of missense changes on protein structure and function are either unavailable or do not agree on the potential impact of this missense change (SIFT: "Not Available"; PolyPhen-2: "Benign"; Align-GVGD: "Not Available"). In summary, the available evidence is currently insufficient to determine the role of this variant in disease. Therefore, it has been classified as a Variant of Uncertain Significance.